The following is an entry in ClinVar:

ClinVar aggregate classification (germline): Likely pathogenic (1 of 4 stars; one submission).

Conditions:
Nemaline myopathy 2 (NEM2). Also called: Nemaline myopathy 2, autosomal recessive. Identifiers: MedGen C1850569, MONDO:0009725, OMIM 256030.

Submission:

Natera, Inc.
Classification: Likely pathogenic for Nemaline myopathy type 2. Last evaluated: 2025-03-24. Review status: criteria provided, single submitter. Criteria: Natera Variant Classification Schema (03/2026). Collection method: clinical testing. Allele origin: germline.
Comment: The c.16946C>G variant in NEB is a nonsense variant predicted to introduce a stop codon at amino acid 5649. This variant is expected to result in nonsense mediated decay, truncation, or a dysfunctional protein product. This variant is rare in the general population with a frequency below the threshold expected for the associated phenotype(s). Given the available evidence, this variant is classified as Likely Pathogenic.

NM_001164508.2(NEB):c.16946C>G (p.Ser5649Ter)

Gene: NEB (nebulin; minus strand). Cytogenetic location: 2q23.3.
Variant type: single nucleotide variant.
Coding change: c.16946C>G on transcript NM_001164508.2 (MANE Select); coding-DNA position 16946, C replaced by G.
Protein change: p.Ser5649Ter; replaces serine 5649 with a stop codon.
Molecular consequence: nonsense.
Genome position (GRCh38, 1-based): chr2:151,575,762, G>C on the plus strand (C>G on the coding strand, the complement: NEB is on the minus strand). VCF-style: chr2-151575762-G-C. GRCh37 (hg19) VCF-style: chr2-152432276-G-C.
Other names: c.16946C>G, p.Ser5649Ter (NM_001164507.2, NM_001271208.2); c.11843C>G, p.Ser3948Ter (NM_004543.5); short protein forms S3948*, S5649*.
Identifiers: ClinVar variation 4058618 (VCV004058618.2).